The following is an entry in ClinVar:

NM_001375567.1(FOCAD):c.1794G>A (p.Arg598=)

Gene: FOCAD (focadhesin; plus strand). Cytogenetic location: 9p21.3.
Variant type: single nucleotide variant.
Coding change: c.1794G>A on transcript NM_001375567.1 (MANE Select); coding-DNA position 1794, G replaced by A.
Protein change: p.Arg598=; no amino-acid change (arginine 598 retained).
Molecular consequence: synonymous variant.
Genome position (GRCh38, 1-based): chr9:20,822,989, G>A. VCF-style: chr9-20822989-G-A. GRCh37 (hg19) VCF-style: chr9-20822988-G-A.
Other names: c.1689G>A, p.Arg563= (NM_001375568.1, NM_001375570.1); c.1794G>A, p.Arg598= (NM_017794.5).
Identifiers: ClinVar variation 3631865 (VCV003631865.2).

ClinVar aggregate classification (germline): Uncertain significance (1 of 4 stars; one submission).

gnomAD v4.1: 34 of 1,588,050 alleles (0.0021%); highest among the groups gnomAD compares: Non-Finnish European, 0.0029%; no homozygotes.

Submission:

Labcorp Genetics (formerly Invitae), Labcorp
Classification: Uncertain significance. Last evaluated: 2024-12-17. Review status: criteria provided, single submitter. Criteria: Invitae Variant Classification Sherloc (09022015). Collection method: clinical testing. Allele origin: germline.
Comment: This sequence change affects codon 598 of the FOCAD mRNA. It is a 'silent' change, meaning that it does not change the encoded amino acid sequence of the FOCAD protein. It affects a nucleotide within the consensus splice site. The frequency data for this variant in the population databases is considered unreliable, as metrics indicate poor data quality at this position in the gnomAD database. This variant has not been reported in the literature in individuals affected with FOCAD-related conditions. Algorithms developed to predict the effect of sequence changes on RNA splicing suggest that this variant is not likely to affect RNA splicing. In summary, the available evidence is currently insufficient to determine the role of this variant in disease. Therefore, it has been classified as a Variant of Uncertain Significance.